The following is an entry in ClinVar:

NM_022095.4(ZNF335):c.2704G>A (p.Glu902Lys)

Gene: ZNF335 (zinc finger protein 335; minus strand). Cytogenetic location: 20q13.12.
Variant type: single nucleotide variant.
Coding change: c.2704G>A on transcript NM_022095.4 (MANE Select); coding-DNA position 2704, G replaced by A.
Protein change: p.Glu902Lys; replaces glutamic acid 902 with lysine.
Molecular consequence: missense variant.
Genome position (GRCh38, 1-based): chr20:45,952,708, C>T on the plus strand (G>A on the coding strand, the complement: ZNF335 is on the minus strand). VCF-style: chr20-45952708-C-T. GRCh37 (hg19) VCF-style: chr20-44581347-C-T.
Other names: short protein forms E902K.
Identifiers: ClinVar variation 2057778 (VCV002057778.2), dbSNP rs749244637, ClinGen allele CA9885270.

ClinVar aggregate classification (germline): Uncertain significance. Review status: criteria provided, multiple submitters, no conflicts (2 of 4 stars). 2 submissions from 2 submitters: Uncertain significance (2). Last evaluated 2022-08-09.

Conditions:
Inborn genetic diseases. Identifiers: MedGen C0950123, MeSH D030342.

Allele frequency attached by ClinVar (database versions not stated): ExAC 0.00003; gnomAD exomes 0.00003; gnomAD 0.00004; TOPMed 0.00004.
gnomAD v4.1: 55 of 1,613,380 alleles (0.0034%); highest among the groups gnomAD compares: Admixed American, 0.0083%; no homozygotes.

Submissions (2):

Labcorp Genetics (formerly Invitae), Labcorp
Classification: Uncertain significance. Last evaluated: 2022-08-09. Review status: criteria provided, single submitter. Criteria: Invitae Variant Classification Sherloc (09022015). Collection method: clinical testing. Allele origin: germline.
Comment: This sequence change replaces glutamic acid, which is acidic and polar, with lysine, which is basic and polar, at codon 902 of the ZNF335 protein (p.Glu902Lys). This variant is present in population databases (rs749244637, gnomAD 0.01%). This variant has not been reported in the literature in individuals affected with ZNF335-related conditions. Algorithms developed to predict the effect of missense changes on protein structure and function (SIFT, PolyPhen-2, Align-GVGD) all suggest that this variant is likely to be tolerated. Algorithms developed to predict the effect of sequence changes on RNA splicing suggest that this variant may create or strengthen a splice site. In summary, the available evidence is currently insufficient to determine the role of this variant in disease. Therefore, it has been classified as a Variant of Uncertain Significance.

Ambry Genetics
Classification: Uncertain significance for Inborn genetic diseases. Last evaluated: 2021-07-06. Review status: criteria provided, single submitter. Criteria: Ambry Variant Classification Scheme 2023. Collection method: clinical testing. Allele origin: germline.